The following is an entry in ClinVar:

ClinVar aggregate classification (germline): Uncertain significance (1 of 4 stars; one submission).

Conditions:
Tuberous sclerosis 2 (TSC2). Identifiers: Orphanet 805, MedGen C1860707, MONDO:0013199, OMIM 613254.

Submission:

Labcorp Genetics (formerly Invitae), Labcorp
Classification: Uncertain significance for Tuberous sclerosis 2. Last evaluated: 2025-03-03. Review status: criteria provided, single submitter. Criteria: Invitae Variant Classification Sherloc (09022015). Collection method: clinical testing. Allele origin: germline.
Comment: This sequence change replaces glutamic acid, which is acidic and polar, with glycine, which is neutral and non-polar, at codon 1558 of the TSC2 protein (p.Glu1558Gly). This variant is not present in population databases (gnomAD no frequency). This variant has not been reported in the literature in individuals affected with TSC2-related conditions. Invitae Evidence Modeling of protein sequence and biophysical properties (such as structural, functional, and spatial information, amino acid conservation, physicochemical variation, residue mobility, and thermodynamic stability) has been performed for this missense variant. However, the output from this modeling did not meet the statistical confidence thresholds required to predict the impact of this variant on TSC2 protein function. This variant disrupts the p.Glu1558 amino acid residue in TSC2. Other variant(s) that disrupt this residue have been determined to be pathogenic (PMID: 11112665, 15798777, 16114042, 16417848, 32555378). This suggests that this residue is clinically significant, and that variants that disrupt this residue are likely to be disease-causing. In summary, the available evidence is currently insufficient to determine the role of this variant in disease. Therefore, it has been classified as a Variant of Uncertain Significance.

Literature cited by the submitters: PubMed 11112665; PubMed 15798777; PubMed 16114042; PubMed 16417848; PubMed 32555378.

NM_000548.5(TSC2):c.4673A>G (p.Glu1558Gly)

Gene: TSC2 (TSC complex subunit 2; plus strand). Cytogenetic location: 16p13.3.
Variant type: single nucleotide variant.
Coding change: c.4673A>G on transcript NM_000548.5 (MANE Select); coding-DNA position 4673, A replaced by G.
Protein change: p.Glu1558Gly; replaces glutamic acid 1558 with glycine.
Molecular consequence: missense variant. On other transcripts: non-coding transcript variant (5).
Genome position (GRCh38, 1-based): chr16:2,086,203, A>G. VCF-style: chr16-2086203-A-G. GRCh37 (hg19) VCF-style: chr16-2136204-A-G.
Other names: c.4604A>G, p.Glu1535Gly (NM_001114382.3); c.4364A>G, p.Glu1455Gly (NM_001318827.2); c.4328A>G, p.Glu1443Gly (NM_001318829.2); c.3941A>G, p.Glu1314Gly (NM_001318831.2); c.4505A>G, p.Glu1502Gly (NM_001318832.2); c.4475A>G, p.Glu1492Gly (NM_001363528.2); c.4541A>G, p.Glu1514Gly (NM_001370404.1); c.4544A>G, p.Glu1515Gly (NM_001370405.1, NM_021055.3); and 26 more; short protein forms E1043G, E1044G, E1066G, E1067G, E1087G, E1291G, E1292G, E1314G.
Identifiers: ClinVar variation 4802887 (VCV004802887.1).